The following is an entry in ClinVar:

ClinVar aggregate classification (germline): Uncertain significance (1 of 4 stars; one submission).

Conditions:
Multiple acyl-CoA dehydrogenase deficiency (MADD). Also called: Glutaric aciduria, type 2; Glutaric acidemia type II; GA 2; ETHYLMALONIC-ADIPICACIDURIA; GA II; Glutaric Acidemia type 2. Identifiers: Orphanet 26791, MedGen C0268596, MONDO:0009282, OMIM 231680.

Submission:

Labcorp Genetics (formerly Invitae), Labcorp
Classification: Uncertain significance for Multiple acyl-CoA dehydrogenase deficiency. Last evaluated: 2023-08-17. Review status: criteria provided, single submitter. Criteria: Invitae Variant Classification Sherloc (09022015). Collection method: clinical testing. Allele origin: germline.
Comment: Advanced modeling of protein sequence and biophysical properties (such as structural, functional, and spatial information, amino acid conservation, physicochemical variation, residue mobility, and thermodynamic stability) performed at Invitae indicates that this missense variant is expected to disrupt ETFDH protein function. In summary, the available evidence is currently insufficient to determine the role of this variant in disease. Therefore, it has been classified as a Variant of Uncertain Significance. This variant has not been reported in the literature in individuals affected with ETFDH-related conditions. This variant is not present in population databases (gnomAD no frequency). This sequence change replaces tyrosine, which is neutral and polar, with asparagine, which is neutral and polar, at codon 614 of the ETFDH protein (p.Tyr614Asn).

NM_004453.4(ETFDH):c.1840T>A (p.Tyr614Asn)

Gene: ETFDH (electron transfer flavoprotein dehydrogenase; plus strand). Cytogenetic location: 4q32.1.
Variant type: single nucleotide variant.
Coding change: c.1840T>A on transcript NM_004453.4 (MANE Select); coding-DNA position 1840, T replaced by A.
Protein change: p.Tyr614Asn; replaces tyrosine 614 with asparagine.
Molecular consequence: missense variant.
Genome position (GRCh38, 1-based): chr4:158,708,513, T>A. VCF-style: chr4-158708513-T-A. GRCh37 (hg19) VCF-style: chr4-159629665-T-A.
Other names: c.1699T>A, p.Tyr567Asn (NM_001281737.2); c.1657T>A, p.Tyr553Asn (NM_001281738.1); short protein forms Y567N, Y553N, Y614N.
Identifiers: ClinVar variation 2841392 (VCV002841392.3), dbSNP rs1774704751, ClinGen allele CA358566967.